The following is an entry in ClinVar:

NM_003361.4(UMOD):c.389T>C (p.Val130Ala)

Gene: UMOD (uromodulin; minus strand). Cytogenetic location: 16p12.3.
Variant type: single nucleotide variant.
Coding change: c.389T>C on transcript NM_003361.4 (MANE Select); coding-DNA position 389, T replaced by C.
Protein change: p.Val130Ala; replaces valine 130 with alanine.
Molecular consequence: missense variant. On other transcripts: non-coding transcript variant (1).
Genome position (GRCh38, 1-based): chr16:20,348,912, A>G on the plus strand (T>C on the coding strand, the complement: UMOD is on the minus strand). VCF-style: chr16-20348912-A-G. GRCh37 (hg19) VCF-style: chr16-20360234-A-G.
Other names: c.389T>C (NM_003361.3, NM_003361.2); c.389T>C, p.Val130Ala (NM_001008389.3, NM_001378232.1, NM_001378233.1 and 3 more transcripts); c.488T>C, p.Val163Ala (NM_001278614.2); short protein forms V163A, V130A.
Identifiers: ClinVar variation 2916335 (VCV002916335.7), dbSNP rs753916851, ClinGen allele CA7939455.

ClinVar aggregate classification (germline): Uncertain significance. Review status: criteria provided, multiple submitters, no conflicts (2 of 4 stars). 5 submissions from 5 submitters: Uncertain significance (4). 1 of the submissions does not count toward it. Last evaluated 2026-02-04.

Conditions:
Inborn genetic diseases. Identifiers: MedGen C0950123, MeSH D030342.
UMOD-related disorder. Also called: UMOD-related condition.
Familial juvenile hyperuricemic nephropathy type 1 (ADTKD1). Also called: Autosomal Dominant Tubulointerstitial Kidney Disease – UMOD; UMOD-Associated Kidney Disease; Uromodulin-associated kidney disease; Glomerulocystic kidney disease with hyperuricemia and isosthenuria; Medullary cystic kidney disease 2. Identifiers: Orphanet 209886, Orphanet 34149, Orphanet 88950, MedGen C4551496, MONDO:0008073, OMIM 162000.

Allele frequency attached by ClinVar (database versions not stated): TOPMed 0.00002; gnomAD 0.00005; gnomAD exomes 0.00005; ExAC 0.00010.
gnomAD v4.1: 84 of 1,563,678 alleles (0.0054%); highest among the groups gnomAD compares: Non-Finnish European, 0.0067%; no homozygotes.

Submissions (5):

GeneDx
Classification: Uncertain significance. Last evaluated: 2026-02-04. Review status: criteria provided, single submitter. Criteria: GeneDx Variant Classification Process June 2021. Collection method: clinical testing. Allele origin: germline.
Comment: In silico analysis suggests that this missense variant does not alter protein structure/function; Has not been previously published as pathogenic or benign to our knowledge

Labcorp Genetics (formerly Invitae), Labcorp
Classification: Uncertain significance. Last evaluated: 2025-11-01. Review status: criteria provided, single submitter. Criteria: Invitae Variant Classification Sherloc (09022015). Collection method: clinical testing. Allele origin: germline.
Comment: This sequence change replaces valine, which is neutral and non-polar, with alanine, which is neutral and non-polar, at codon 130 of the UMOD protein (p.Val130Ala). This variant is present in population databases (rs753916851, gnomAD 0.007%). This variant has not been reported in the literature in individuals affected with UMOD-related conditions. ClinVar contains an entry for this variant (Variation ID: 2916335). Invitae Evidence Modeling of protein sequence and biophysical properties (such as structural, functional, and spatial information, amino acid conservation, physicochemical variation, residue mobility, and thermodynamic stability) indicates that this missense variant is not expected to disrupt UMOD protein function with a negative predictive value of 95%. In summary, the available evidence is currently insufficient to determine the role of this variant in disease. Therefore, it has been classified as a Variant of Uncertain Significance.

Fulgent Genetics
Classification: Uncertain significance for Familial juvenile hyperuricemic nephropathy type 1. Last evaluated: 2024-05-21. Review status: criteria provided, single submitter. Criteria: ACMG Guidelines, 2015. Collection method: clinical testing. Allele origin: germline.

Ambry Genetics
Classification: Uncertain significance for Inborn genetic diseases. Last evaluated: 2023-11-28. Review status: criteria provided, single submitter. Criteria: Ambry Variant Classification Scheme 2023. Collection method: clinical testing. Allele origin: germline.

PreventionGenetics, part of Exact Sciences
Classification: Uncertain significance for UMOD-related condition. Last evaluated: 2024-05-31. Review status: no assertion criteria provided. Collection method: clinical testing. Allele origin: germline. Not counted in ClinVar's aggregate classification.
Comment: The UMOD c.389T>C variant is predicted to result in the amino acid substitution p.Val130Ala. To our knowledge, this variant has not been reported in the literature. This variant is reported in 0.0058% of alleles in individuals of European (Non-Finnish) descent in gnomAD. At this time, the clinical significance of this variant is uncertain due to the absence of conclusive functional and genetic evidence.